The following is an entry in ClinVar:

NM_015046.7(SETX):c.1145T>C (p.Met382Thr)

Gene: SETX (senataxin; minus strand). Cytogenetic location: 9q34.13.
Variant type: single nucleotide variant.
Coding change: c.1145T>C on transcript NM_015046.7 (MANE Select); coding-DNA position 1145, T replaced by C.
Protein change: p.Met382Thr; replaces methionine 382 with threonine.
Molecular consequence: missense variant.
Genome position (GRCh38, 1-based): chr9:132,330,453, A>G on the plus strand (T>C on the coding strand, the complement: SETX is on the minus strand). VCF-style: chr9-132330453-A-G. GRCh37 (hg19) VCF-style: chr9-135205840-A-G.
Other names: c.1145T>C, p.Met382Thr (NM_001351527.2, NM_001351528.2); short protein forms M382T.
Identifiers: ClinVar variation 3952927 (VCV003952927.2).

ClinVar aggregate classification (germline): Uncertain significance. Review status: criteria provided, multiple submitters, no conflicts (2 of 4 stars). 2 submissions from 2 submitters: Uncertain significance (2). Last evaluated 2026-04-24.

Conditions:
SETX-related disorder. Also called: SETX-related condition; SETX-related disorders. Identifiers: MedGen CN239403.
Inborn genetic diseases. Identifiers: MedGen C0950123, MeSH D030342.

gnomAD v4.1: 19 of 1,613,856 alleles (0.0012%); highest among the groups gnomAD compares: Non-Finnish European, 0.0016%; no homozygotes.

Submissions (2):

PreventionGenetics, part of Exact Sciences
Classification: Uncertain significance for SETX-related condition. Last evaluated: 2026-04-24. Review status: criteria provided, single submitter. Criteria: ACMG Guidelines, 2015. Collection method: clinical testing. Allele origin: germline.
Comment: The SETX c.1145T>C variant is predicted to result in the amino acid substitution p.Met382Thr. To our knowledge, this variant has not been reported in the literature or in a large population database (gnomAD), indicating this variant is rare. At this time, the clinical significance of this variant is uncertain due to the absence of conclusive functional and genetic evidence.

Ambry Genetics
Classification: Uncertain significance for Inborn genetic diseases. Last evaluated: 2025-04-12. Review status: criteria provided, single submitter. Criteria: Ambry Variant Classification Scheme 2023. Collection method: clinical testing. Allele origin: germline.